The following is an entry in ClinVar:

ClinVar aggregate classification (germline): Uncertain significance (1 of 4 stars; one submission).

Conditions:
Bardet-Biedl syndrome (BBS). Identifiers: Orphanet 110, MedGen C0752166, MONDO:0015229.

Allele frequency attached by ClinVar (database versions not stated): gnomAD exomes below 0.00001.
gnomAD v4.1: 1 of 1,614,154 alleles (0.000062%); highest among the groups gnomAD compares: East Asian, 0.0022%; no homozygotes.

Submission:

Labcorp Genetics (formerly Invitae), Labcorp
Classification: Uncertain significance for Bardet-Biedl syndrome. Last evaluated: 2020-02-23. Review status: criteria provided, single submitter. Criteria: Invitae Variant Classification Sherloc (09022015). Collection method: clinical testing. Allele origin: germline.
Comment: This variant has not been reported in the literature in individuals with TRIM32-related conditions. This variant is not present in population databases (ExAC no frequency). This sequence change replaces isoleucine with methionine at codon 565 of the TRIM32 protein (p.Ile565Met). The isoleucine residue is highly conserved and there is a small physicochemical difference between isoleucine and methionine. Algorithms developed to predict the effect of missense changes on protein structure and function (SIFT, PolyPhen-2, Align-GVGD) all suggest that this variant is likely to be tolerated, but these predictions have not been confirmed by published functional studies and their clinical significance is uncertain. In summary, the available evidence is currently insufficient to determine the role of this variant in disease. Therefore, it has been classified as a Variant of Uncertain Significance.

NM_012210.4(TRIM32):c.1695T>G (p.Ile565Met)

Genes: ASTN2 (astrotactin 2; minus strand), TRIM32 (tripartite motif containing 32; plus strand). Cytogenetic location: 9q33.1.
Variant type: single nucleotide variant.
Coding change: c.1695T>G on transcript NM_012210.4 (MANE Select); coding-DNA position 1695, T replaced by G.
Protein change: p.Ile565Met; replaces isoleucine 565 with methionine.
Molecular consequence: missense variant. On other transcripts: intron variant (3).
Genome position (GRCh38, 1-based): chr9:116,699,437, T>G. VCF-style: chr9-116699437-T-G. GRCh37 (hg19) VCF-style: chr9-119461716-T-G.
Other names: c.1695T>G, p.Ile565Met (NM_001099679.2, NM_001379048.1, NM_001379049.1 and 1 more transcripts); c.2653+26334A>C (NM_014010.5); c.2794+26334A>C (NM_001365069.1); c.2806+26334A>C (NM_001365068.1); short protein forms I565M.
Identifiers: ClinVar variation 963954 (VCV000963954.9), dbSNP rs1564218246, ClinGen allele CA374652238.
Genomic context (GRCh38, chr9:116,699,437, plus strand): 5'-CCTGGAGGGTGGCTTTTCCATTGGCTCTGTAGGCCCTGATGGGCAGCTGGGTCGCCAGAT[T>G]AGCCACTTCTTCTCGGAGAATGAGGATTTCCGCTGCATTGCTGGCATGTGTGTGGATGCT-3'
Protein context (NP_036342.2, residues 555-575): VGPDGQLGRQ[Ile565Met]SHFFSENEDF